The following is an entry in ClinVar:

NM_025179.4(PLXNA2):c.91C>A (p.Pro31Thr)

Gene: PLXNA2 (plexin A2; minus strand). Cytogenetic location: 1q32.2.
Variant type: single nucleotide variant.
Coding change: c.91C>A on transcript NM_025179.4 (MANE Select); coding-DNA position 91, C replaced by A.
Protein change: p.Pro31Thr; replaces proline 31 with threonine.
Molecular consequence: missense variant.
Genome position (GRCh38, 1-based): chr1:208,217,832, G>T on the plus strand (C>A on the coding strand, the complement: PLXNA2 is on the minus strand). VCF-style: chr1-208217832-G-T. GRCh37 (hg19) VCF-style: chr1-208391177-G-T.
Other names: short protein forms P31T.
Identifiers: ClinVar variation 3350236 (VCV003350236.1).
Genomic context (GRCh38, chr1:208,217,832, plus strand): 5'-TGAAGGTCCAGTCACGATTCTCAGAGTGGAAGGTGCTGAACTGAGGCATGCCGGCTGCTG[G>T]GGGGGCCAGCAGCACCCAGACCACTGAGAGCAGGACCACAGAGCGGCTGTCCACCTCCAG-3'
Protein context (NP_079455.3, residues 21-41): LSVVWVLLAP[Pro31Thr]AAGMPQFSTF

ClinVar aggregate classification (germline): Uncertain significance (0 of 4 stars; one submission).

Conditions:
PLXNA2-related disorder. Also called: PLXNA2-related condition.

gnomAD v4.1: 2 of 1,614,040 alleles (0.00012%); highest among the groups gnomAD compares: South Asian, 0.0011%; no homozygotes.

Submission:

PreventionGenetics, part of Exact Sciences
Classification: Uncertain significance for PLXNA2-related condition. Last evaluated: 2024-09-27. Review status: no assertion criteria provided. Collection method: clinical testing. Allele origin: germline.
Comment: The PLXNA2 c.91C>A variant is predicted to result in the amino acid substitution p.Pro31Thr. To our knowledge, this variant has not been reported in the literature. This variant is reported in 0.0033% of alleles in individuals of South Asian descent in gnomAD. At this time, the clinical significance of this variant is uncertain due to the absence of conclusive functional and genetic evidence.